The following is an entry in ClinVar:

NM_001379500.1(COL18A1):c.107-11530C>T

Gene: COL18A1 (collagen type XVIII alpha 1 chain; plus strand). Cytogenetic location: 21q22.3.
Variant type: single nucleotide variant.
Coding change: c.107-11530C>T on transcript NM_001379500.1 (MANE Select); 11530 bases into the intron before coding-DNA position 107, C replaced by T.
Molecular consequence: intron variant. On other transcripts: synonymous variant (1).
Genome position (GRCh38, 1-based): chr21:45,456,712, C>T. VCF-style: chr21-45456712-C-T. GRCh37 (hg19) VCF-style: chr21-46876626-C-T.
Other names: c.1182C>T, p.Val394= (NM_130444.3); c.646+536C>T (NM_030582.4).
Identifiers: ClinVar variation 4983887 (VCV004983887.1).
Genomic context (GRCh38, chr21:45,456,712, plus strand): 5'-GGGCCTGCTGCAGACGCACTGCCACCCCTTCCTCGCCTGGTTCTTCTGCCTGCTGCTGGT[C>T]CCCCCATGCGGCAGCGTCCCGCCGCCCGCCCCGCCACCCTGCTGCCAGTTCTGCGAGGCC-3'

ClinVar aggregate classification (germline): Likely benign (1 of 4 stars; one submission).

Conditions:
COL18A1-related disorder. Also called: COL18A1-related condition; COL18A1-related disorders.

gnomAD v4.1: 52 of 1,532,662 alleles (0.0034%); highest among the groups gnomAD compares: Admixed American, 0.0099%; no homozygotes.

Submission:

PreventionGenetics, part of Exact Sciences
Classification: Likely benign for COL18A1-related condition. Last evaluated: 2026-02-10. Review status: criteria provided, single submitter. Criteria: ACMG Guidelines, 2015. Collection method: clinical testing. Allele origin: germline.
Comment: This variant is classified as likely benign based on ACMG/AMP sequence variant interpretation guidelines (Richards et al. 2015 PMID: 25741868, with internal and published modifications).